The following is an entry in ClinVar:

NM_014585.6(SLC40A1):c.1132T>C (p.Leu378=)

Gene: SLC40A1 (solute carrier family 40 member 1; minus strand). Cytogenetic location: 2q32.2.
Variant type: single nucleotide variant.
Coding change: c.1132T>C on transcript NM_014585.6 (MANE Select); coding-DNA position 1132, T replaced by C.
Protein change: p.Leu378=; no amino-acid change (leucine 378 retained).
Molecular consequence: synonymous variant.
Genome position (GRCh38, 1-based): chr2:189,563,854, A>G on the plus strand (T>C on the coding strand, the complement: SLC40A1 is on the minus strand). VCF-style: chr2-189563854-A-G. GRCh37 (hg19) VCF-style: chr2-190428580-A-G.
Identifiers: ClinVar variation 333165 (VCV000333165.14), dbSNP rs138505684, ClinGen allele CA2024113.

ClinVar aggregate classification (germline): Benign. Review status: criteria provided, multiple submitters, no conflicts (2 of 4 stars). 3 submissions from 3 submitters: Benign (3). Last evaluated 2024-04-30.

Conditions:
Hemochromatosis type 4 (HFE4). Also called: HEMOCHROMATOSIS DUE TO DEFECT IN FERROPORTIN; HEMOCHROMATOSIS, AUTOSOMAL DOMINANT; Ferroportin disease. Identifiers: Orphanet 139491, Orphanet 647834, Orphanet 648562, MedGen C1853733, MONDO:0011631, OMIM 606069.

Allele frequency attached by ClinVar (database versions not stated): TOPMed 0.00025; 1000 Genomes Project 0.00060; gnomAD exomes 0.00003 and 0.00008; ExAC 0.00012; 1000 Genomes Project 30x 0.00062; gnomAD 0.00022; ESP Exome Variant Server 0.00023.
gnomAD v4.1: 73 of 1,614,206 alleles (0.0045%); highest among the groups gnomAD compares: African/African-American, 0.077%; no homozygotes.

Submissions (3):

Labcorp Genetics (formerly Invitae), Labcorp
Classification: Benign for Hemochromatosis type 4. Last evaluated: 2024-04-30. Review status: criteria provided, single submitter. Criteria: Invitae Variant Classification Sherloc (09022015). Collection method: clinical testing. Allele origin: germline.

Illumina Laboratory Services, Illumina
Classification: Benign for Hemochromatosis type 4. Last evaluated: 2018-01-12. Review status: criteria provided, single submitter. Criteria: ICSL Variant Classification Criteria 13 December 2019. Collection method: clinical testing. Allele origin: germline.
Comment: This variant was observed in the ICSL laboratory as part of a predisposition screen in an ostensibly healthy population. It had not been previously curated by ICSL or reported in the Human Gene Mutation Database (HGMD: prior to June 1st, 2018), and was therefore a candidate for classification through an automated scoring system. Utilizing variant allele frequency, disease prevalence and penetrance estimates, and inheritance mode, an automated score was calculated to assess if this variant is too frequent to cause the disease. Based on the score and internal cut-off values, a variant classified as benign is not then subjected to further curation. The score for this variant resulted in a classification of benign for this disease.

Breakthrough Genomics
Classification: Benign. Review status: criteria provided, single submitter. Criteria: ACMG Guidelines, 2015. Collection method: not provided. Allele origin: germline. Inheritance: Autosomal dominant inheritance. Affected: yes.